The following is an entry in ClinVar:

ClinVar aggregate classification (germline): Uncertain significance (1 of 4 stars; one submission).

Conditions:
Hereditary cancer-predisposing syndrome. Also called: Neoplastic Syndromes, Hereditary; Tumor predisposition; Hereditary Cancer Syndrome; Hereditary neoplastic syndrome. Identifiers: Orphanet 140162, MedGen C0027672, MeSH D009386, MONDO:0015356.

Submission:

Ambry Genetics
Classification: Uncertain significance for Hereditary cancer-predisposing syndrome. Last evaluated: 2026-03-12. Review status: criteria provided, single submitter. Criteria: Ambry Variant Classification Scheme 2023. Collection method: clinical testing. Allele origin: germline.
Comment: The p.L85Q variant (also known as c.254T>A), located in coding exon 4 of the PMS2 gene, results from a T to A substitution at nucleotide position 254. The leucine at codon 85 is replaced by glutamine, an amino acid with dissimilar properties. This amino acid position is conserved. In addition, this alteration is predicted to be deleterious by in silico analysis. Based on the available evidence, the clinical significance of this variant remains unclear.

NM_000535.7(PMS2):c.254T>A (p.Leu85Gln)

Gene: PMS2 (PMS1 homolog 2, mismatch repair system component; minus strand). Cytogenetic location: 7p22.1.
Variant type: single nucleotide variant.
Coding change: c.254T>A on transcript NM_000535.7 (MANE Select); coding-DNA position 254, T replaced by A.
Protein change: p.Leu85Gln; replaces leucine 85 with glutamine.
Molecular consequence: missense variant. On other transcripts: 5 prime UTR variant (35), non-coding transcript variant (1), intron variant (11).
Genome position (GRCh38, 1-based): chr7:6,003,789, A>T on the plus strand (T>A on the coding strand, the complement: PMS2 is on the minus strand). VCF-style: chr7-6003789-A-T. GRCh37 (hg19) VCF-style: chr7-6043420-A-T.
Other names: c.-152T>A (NM_001322003.2, NM_001322004.2, NM_001322005.2 and 13 more transcripts); c.254T>A, p.Leu85Gln (NM_001322006.2, NM_001322014.2, NM_001406869.1 and 8 more transcripts); c.-631T>A (NM_001322011.2, NM_001322012.2); c.-231T>A (NM_001322015.2, NM_001406875.1, NM_001406877.1 and 3 more transcripts); c.440T>A, p.Leu147Gln (NM_001406866.1); c.278T>A, p.Leu93Gln (NM_001406868.1); c.-178T>A (NM_001406880.1); c.-99T>A (NM_001406888.1, NM_001406889.1, NM_001406892.1 and 6 more transcripts); and 5 more; short protein forms L147Q, L93Q, L85Q.
Identifiers: ClinVar variation 4826899 (VCV004826899.1).